The following is an entry in ClinVar:

NM_018206.6(VPS35):c.678C>T (p.Arg226=)

Gene: VPS35 (VPS35 retromer complex component; minus strand). Cytogenetic location: 16q11.2.
Variant type: single nucleotide variant.
Coding change: c.678C>T on transcript NM_018206.6 (MANE Select); coding-DNA position 678, C replaced by T.
Protein change: p.Arg226=; no amino-acid change (arginine 226 retained).
Molecular consequence: synonymous variant.
Genome position (GRCh38, 1-based): chr16:46,678,985, G>A on the plus strand (C>T on the coding strand, the complement: VPS35 is on the minus strand). VCF-style: chr16-46678985-G-A. GRCh37 (hg19) VCF-style: chr16-46712897-G-A.
Identifiers: ClinVar variation 319295 (VCV000319295.9), dbSNP rs376845827, ClinGen allele CA8037024.

ClinVar aggregate classification (germline): Likely benign. Review status: criteria provided, multiple submitters, no conflicts (2 of 4 stars). 2 submissions from 2 submitters: Likely benign (2). Last evaluated 2025-09-15.

Conditions:
Parkinson disease 17 (PARK17). Also called: VPS35-Related Parkinson Disease. Identifiers: Orphanet 411602, MedGen C3280133, MONDO:0013625, OMIM 614203.

Allele frequency attached by ClinVar (database versions not stated): ExAC 0.00007; ESP Exome Variant Server 0.00008; gnomAD exomes 0.00008 and 0.00024; gnomAD 0.00009; TOPMed 0.00012.
gnomAD v4.1: 356 of 1,613,922 alleles (0.022%); highest among the groups gnomAD compares: Non-Finnish European, 0.028%; 1 homozygote.

Submissions (2):

Labcorp Genetics (formerly Invitae), Labcorp
Classification: Likely benign for Parkinson disease 17. Last evaluated: 2025-09-15. Review status: criteria provided, single submitter. Criteria: Invitae Variant Classification Sherloc (09022015). Collection method: clinical testing. Allele origin: germline.

Illumina Laboratory Services, Illumina
Classification: Likely benign for Parkinson disease 17. Last evaluated: 2018-01-13. Review status: criteria provided, single submitter. Criteria: ICSL Variant Classification Criteria 13 December 2019. Collection method: clinical testing. Allele origin: germline.
Comment: This variant was observed in the ICSL laboratory as part of a predisposition screen in an ostensibly healthy population. It had not been previously curated by ICSL or reported in the Human Gene Mutation Database (HGMD: prior to June 1st, 2018), and was therefore a candidate for classification through an automated scoring system. Utilizing variant allele frequency, disease prevalence and penetrance estimates, and inheritance mode, an automated score was calculated to assess if this variant is too frequent to cause the disease. Based on the score and internal cut-off values, a variant classified as likely benign is not then subjected to further curation. The score for this variant resulted in a classification of likely benign for this disease.